The following is an entry in ClinVar:

NM_031935.3(HMCN1):c.15904A>G (p.Arg5302Gly)

Gene: HMCN1 (hemicentin 1; plus strand). Cytogenetic location: 1q31.1.
Variant type: single nucleotide variant.
Coding change: c.15904A>G on transcript NM_031935.3 (MANE Select); coding-DNA position 15904, A replaced by G.
Protein change: p.Arg5302Gly; replaces arginine 5302 with glycine.
Molecular consequence: missense variant.
Genome position (GRCh38, 1-based): chr1:186,174,603, A>G. VCF-style: chr1-186174603-A-G. GRCh37 (hg19) VCF-style: chr1-186143735-A-G.
Other names: short protein forms R5302G.
Identifiers: ClinVar variation 1952276 (VCV001952276.5), dbSNP rs745699312, ClinGen allele CA1295418.
Genomic context (GRCh38, chr1:186,174,603, plus strand): 5'-CAGTGCAGATATAACCAGATATGTGAGAATACAAGAGGCAGCTATCGTTGTGTATGCCCA[A>G]GAGGTTATCGGTCTCAAGGAGTTGGAAGACCCTGCATGGGTAAGTTAATAGGAACTTGTT-3'
Protein context (NP_114141.2, residues 5292-5312): TRGSYRCVCP[Arg5302Gly]GYRSQGVGRP

ClinVar aggregate classification (germline): Uncertain significance (1 of 4 stars; one submission).

Allele frequency attached by ClinVar (database versions not stated): ExAC 0.00001; TOPMed 0.00001; gnomAD 0.00002; gnomAD exomes 0.00001.
gnomAD v4.1: 14 of 1,613,916 alleles (0.00087%); highest among the groups gnomAD compares: African/African-American, 0.0027%; no homozygotes.

Submission:

Labcorp Genetics (formerly Invitae), Labcorp
Classification: Uncertain significance. Last evaluated: 2025-06-24. Review status: criteria provided, single submitter. Criteria: Invitae Variant Classification Sherloc (09022015). Collection method: clinical testing. Allele origin: germline.
Comment: This sequence change replaces arginine, which is basic and polar, with glycine, which is neutral and non-polar, at codon 5302 of the HMCN1 protein (p.Arg5302Gly). This variant is present in population databases (rs745699312, gnomAD 0.002%). This variant has not been reported in the literature in individuals affected with HMCN1-related conditions. ClinVar contains an entry for this variant (Variation ID: 1952276). An algorithm developed to predict the effect of missense changes on protein structure and function (PolyPhen-2) suggests that this variant is likely to be disruptive. In summary, the available evidence is currently insufficient to determine the role of this variant in disease. Therefore, it has been classified as a Variant of Uncertain Significance.